The following is an entry in ClinVar:

ClinVar aggregate classification (germline): Uncertain significance (1 of 4 stars; one submission).

Conditions:
Hypotonia, infantile, with psychomotor retardation and characteristic facies 2 (IHPRF2). Also called: UNC80 Deficiency. Identifiers: Orphanet 371364, Orphanet 700333, MedGen C4225203, MONDO:0014777, OMIM 616801.

Submission:

3billion
Classification: Uncertain significance for Hypotonia, infantile, with psychomotor retardation and characteristic facies 2. Last evaluated: 2024-12-18. Review status: criteria provided, single submitter. Criteria: ACMG Guidelines, 2015. Collection method: clinical testing. Allele origin: germline. Affected: yes.
Comment: The variant is observed at an extremely low frequency in the gnomAD v4.1.0 dataset (total allele frequency: <0.001%). Predicted Consequence/Location: Missense variant In silico tool predictions suggest damaging effect of the variant on gene or gene product [REVEL: 0.63 (>=0.6, sensitivity 0.68 and specificity 0.92)]. Therefore, this variant is classified as VUS according to the recommendation of ACMG/AMP guideline.

NM_001371986.1(UNC80):c.1886A>G (p.Tyr629Cys)

Gene: UNC80 (unc-80 subunit of NALCN channel complex; plus strand). Cytogenetic location: 2q34.
Variant type: single nucleotide variant.
Coding change: c.1886A>G on transcript NM_001371986.1 (MANE Select); coding-DNA position 1886, A replaced by G.
Protein change: p.Tyr629Cys; replaces tyrosine 629 with cysteine.
Molecular consequence: missense variant.
Genome position (GRCh38, 1-based): chr2:209,819,185, A>G. VCF-style: chr2-209819185-A-G. GRCh37 (hg19) VCF-style: chr2-210683909-A-G.
Other names: c.1886A>G, p.Tyr629Cys (NM_032504.2, NM_182587.4); short protein forms Y629C.
Identifiers: ClinVar variation 4293131 (VCV004293131.1).